The following is an entry in ClinVar:

ClinVar aggregate classification (germline): Uncertain significance. Review status: criteria provided, multiple submitters, no conflicts (2 of 4 stars). 2 submissions from 2 submitters: Uncertain significance (2). Last evaluated 2026-01-05.

Conditions:
Inborn genetic diseases. Identifiers: MedGen C0950123, MeSH D030342.

Allele frequency attached by ClinVar (database versions not stated): gnomAD 0.00003; TOPMed 0.00003; ExAC 0.00007; 1000 Genomes Project 30x 0.00016; 1000 Genomes Project 0.00020.
gnomAD v4.1: 38 of 1,612,198 alleles (0.0024%); highest among the groups gnomAD compares: East Asian, 0.045%; no homozygotes.

Submissions (2):

Labcorp Genetics (formerly Invitae), Labcorp
Classification: Uncertain significance. Last evaluated: 2026-01-05. Review status: criteria provided, single submitter. Criteria: Invitae Variant Classification Sherloc (09022015). Collection method: clinical testing. Allele origin: germline.
Comment: This sequence change replaces serine, which is neutral and polar, with leucine, which is neutral and non-polar, at codon 438 of the CSF2RB protein (p.Ser438Leu). This variant is present in population databases (rs576392209, gnomAD 0.08%), and has an allele count higher than expected for a pathogenic variant. This variant has not been reported in the literature in individuals affected with CSF2RB-related conditions. ClinVar contains an entry for this variant (Variation ID: 2181527). An algorithm developed to predict the effect of missense changes on protein structure and function (PolyPhen-2) suggests that this variant is likely to be tolerated. In summary, the available evidence is currently insufficient to determine the role of this variant in disease. Therefore, it has been classified as a Variant of Uncertain Significance.

Ambry Genetics
Classification: Uncertain significance for Inborn genetic diseases. Last evaluated: 2025-05-25. Review status: criteria provided, single submitter. Criteria: Ambry Variant Classification Scheme 2023. Collection method: clinical testing. Allele origin: germline.

NM_000395.3(CSF2RB):c.1313C>T (p.Ser438Leu)

Gene: CSF2RB (colony stimulating factor 2 receptor subunit beta; plus strand). Cytogenetic location: 22q12.3.
Variant type: single nucleotide variant.
Coding change: c.1313C>T on transcript NM_000395.3 (MANE Select); coding-DNA position 1313, C replaced by T.
Protein change: p.Ser438Leu; replaces serine 438 with leucine.
Molecular consequence: missense variant.
Genome position (GRCh38, 1-based): chr22:36,933,992, C>T. VCF-style: chr22-36933992-C-T. GRCh37 (hg19) VCF-style: chr22-37330034-C-T.
Other names: c.1331C>T, p.Ser444Leu (NM_001410827.1); c.1313C>T (NM_000395.2); short protein forms S444L, S438L.
Identifiers: ClinVar variation 2181527 (VCV002181527.5), dbSNP rs576392209, ClinGen allele CA10213776.